The following is an entry in ClinVar:

ClinVar aggregate classification (germline): Likely benign (0 of 4 stars; one submission).

Conditions:
MYO5B-related disorder. Also called: MYO5B-related condition.

Allele frequency attached by ClinVar (database versions not stated): ExAC 0.00001; gnomAD 0.00001; TOPMed 0.00001; ESP Exome Variant Server 0.00008.
gnomAD v4.1: 3 of 1,613,704 alleles (0.00019%); highest among the groups gnomAD compares: African/African-American, 0.004%; no homozygotes.

Submission:

PreventionGenetics, part of Exact Sciences
Classification: Likely benign for MYO5B-related condition. Last evaluated: 2023-03-14. Review status: no assertion criteria provided. Collection method: clinical testing. Allele origin: germline.
Comment: This variant is classified as likely benign based on ACMG/AMP sequence variant interpretation guidelines (Richards et al. 2015 PMID: 25741868, with internal and published modifications).

NM_001080467.3(MYO5B):c.5430G>A (p.Leu1810=)

Genes: MYO5B (myosin VB; minus strand), SNHG22 (small nucleolar RNA host gene 22; plus strand). Cytogenetic location: 18q21.1.
Variant type: single nucleotide variant.
Coding change: c.5430G>A on transcript NM_001080467.3 (MANE Select); coding-DNA position 5430, G replaced by A.
Protein change: p.Leu1810=; no amino-acid change (leucine 1810 retained).
Molecular consequence: synonymous variant.
Genome position (GRCh38, 1-based): chr18:49,826,588, C>T on the plus strand (G>A on the coding strand, the complement: MYO5B is on the minus strand). VCF-style: chr18-49826588-C-T. GRCh37 (hg19) VCF-style: chr18-47352958-C-T.
Identifiers: ClinVar variation 3052443 (VCV003052443.2), dbSNP rs371982786, ClinGen allele CA8960035.